The following is an entry in ClinVar:

NM_018896.5(CACNA1G):c.825C>T (p.Arg275=)

Gene: CACNA1G (calcium voltage-gated channel subunit alpha1 G; plus strand). Cytogenetic location: 17q21.33.
Variant type: single nucleotide variant.
Coding change: c.825C>T on transcript NM_018896.5 (MANE Select); coding-DNA position 825, C replaced by T.
Protein change: p.Arg275=; no amino-acid change (arginine 275 retained).
Molecular consequence: synonymous variant. On other transcripts: non-coding transcript variant (5).
Genome position (GRCh38, 1-based): chr17:50,572,632, C>T. VCF-style: chr17-50572632-C-T. GRCh37 (hg19) VCF-style: chr17-48649993-C-T.
Other names: c.825C>T, p.Arg275= (NM_001256324.2, NM_001256325.2, NM_001256326.2 and 24 more transcripts).
Identifiers: ClinVar variation 387724 (VCV000387724.2), dbSNP rs555571087, ClinGen allele CA8652043.

ClinVar aggregate classification (germline): Uncertain significance (1 of 4 stars; one submission).

Allele frequency attached by ClinVar (database versions not stated): gnomAD 0.00001 and 0.00003; TOPMed 0.00002; gnomAD exomes 0.00003 and 0.00005; ExAC 0.00006; 1000 Genomes Project 30x 0.00016; 1000 Genomes Project 0.00020.
gnomAD v4.1: 46 of 1,598,846 alleles (0.0029%); highest among the groups gnomAD compares: East Asian, 0.05%; no homozygotes.

Submission:

GeneDx
Classification: Uncertain significance. Last evaluated: 2016-07-27. Review status: criteria provided, single submitter. Criteria: GeneDx Variant Classification (06012015). Collection method: clinical testing. Allele origin: germline. Affected: yes.
Comment: The c.825 C>T variant in the CACNA1G gene has not been reported previously as a pathogenic variant nor as a benign variant, to our knowledge. Some splice predictor models indicate that this sequence change may create a new cryptic splice donor site that is stronger than and upstream of the natural donor site, which may cause abnormal gene splicing; however, in the absence of RNA/functional studies, the actual effect of this sequence change is unknown. The c.825 C>T variant was not observed in approximately 6300 individuals of European and African American ancestry in the NHLBI Exome Sequencing Project, indicating it is not a common benign variant in these populations. We interpret c.825 C>T as a variant of uncertain significance.